The following is an entry in ClinVar:

NM_033448.3(KRT71):c.1361-14G>A

Gene: KRT71 (keratin 71; minus strand). Cytogenetic location: 12q13.13.
Variant type: single nucleotide variant.
Coding change: c.1361-14G>A on transcript NM_033448.3 (MANE Select); 14 bases into the intron before coding-DNA position 1361, G replaced by A.
Molecular consequence: intron variant.
Genome position (GRCh38, 1-based): chr12:52,544,757, C>T on the plus strand (G>A on the coding strand, the complement: KRT71 is on the minus strand). VCF-style: chr12-52544757-C-T. GRCh37 (hg19) VCF-style: chr12-52938541-C-T.
Identifiers: ClinVar variation 4692549 (VCV004692549.1).

ClinVar aggregate classification (germline): Uncertain significance (1 of 4 stars; one submission).

gnomAD v4.1: 111 of 1,597,028 alleles (0.007%); highest among the groups gnomAD compares: Middle Eastern, 0.039%; 1 homozygote.

Submission:

Labcorp Genetics (formerly Invitae), Labcorp
Classification: Uncertain significance. Last evaluated: 2025-09-23. Review status: criteria provided, single submitter. Criteria: Invitae Variant Classification Sherloc (09022015). Collection method: clinical testing. Allele origin: germline.
Comment: This sequence change falls in intron 8 of the KRT71 gene. It does not directly change the encoded amino acid sequence of the KRT71 protein. RNA analysis indicates that this variant induces altered splicing and likely results in the gain of 4 amino acid residue(s), but is expected to preserve the integrity of the reading-frame. This variant is present in population databases (rs367619481, gnomAD 0.02%). This variant has been observed in individual(s) with clinical features of loose anagen hair syndrome (PMID: 40282419). Studies have shown that this variant results in the activation of a cryptic splice site in intron 8 (PMID: 40282419). In summary, the available evidence is currently insufficient to determine the role of this variant in disease. Therefore, it has been classified as a Variant of Uncertain Significance.

Literature cited by the submitters: PubMed 40282419.